The following is an entry in ClinVar:

NC_000008.10:g.(?_99135566)_(100205305_?)dup

Genes: KCNS2 (potassium voltage-gated channel modifier subfamily S member 2; plus strand), NIPAL2 (NIPA like domain containing 2; minus strand), OSR2 (odd-skipped related transciption factor 2; plus strand), POP1 (POP1 ribonuclease P/MRP subunit; plus strand), STK3 (serine/threonine kinase 3; minus strand) and 1 more. Cytogenetic location: 8q22.2.
Variant type: Duplication.
Identifiers: ClinVar variation 1447941 (VCV001447941.4).

ClinVar aggregate classification (germline): Uncertain significance (1 of 4 stars; one submission).

Conditions:
Cohen syndrome (COH1). Also called: Cutis verticis gyrata, retinitis pigmentosa, and sensorineural deafness; PEPPER SYNDROME. Identifiers: Orphanet 193, MedGen C0265223, MONDO:0008999, OMIM 216550.

Submission:

Labcorp Genetics (formerly Invitae), Labcorp
Classification: Uncertain significance for Cohen syndrome. Last evaluated: 2021-05-16. Review status: criteria provided, single submitter. Criteria: Invitae Variant Classification Sherloc (09022015). Collection method: clinical testing. Allele origin: germline.
Comment: In summary, the available evidence is currently insufficient to determine the role of this variant in disease. Therefore, it has been classified as a Variant of Uncertain Significance. Experimental studies and prediction algorithms are not available or were not evaluated, and the functional significance of this variant is currently unknown. This variant has not been reported in the literature in individuals with VPS13B-related conditions. This variant results in a copy number gain of the genomic region encompassing exon(s) 1-17 of the VPS13B gene. This region includes the initiator codon of the gene. The 5' end of this event is unknown as it extends beyond the assayed region for this gene and therefore may encompass additional genes. The 3' boundary is likely confined to intron 17 of the VPS13B gene. As the precise location of this event is unknown, it may be in tandem or it may be located elsewhere in the genome.